The following is an entry in ClinVar:

NM_020433.5(JPH2):c.968G>A (p.Arg323His)

Gene: JPH2 (junctophilin 2; minus strand). Cytogenetic location: 20q13.12.
Variant type: single nucleotide variant.
Coding change: c.968G>A on transcript NM_020433.5 (MANE Select); coding-DNA position 968, G replaced by A.
Protein change: p.Arg323His; replaces arginine 323 with histidine.
Molecular consequence: missense variant.
Genome position (GRCh38, 1-based): chr20:44,159,819, C>T on the plus strand (G>A on the coding strand, the complement: JPH2 is on the minus strand). VCF-style: chr20-44159819-C-T. GRCh37 (hg19) VCF-style: chr20-42788459-C-T.
Other names: short protein forms R323H.
Identifiers: ClinVar variation 451471 (VCV000451471.15), dbSNP rs778739555, ClinGen allele CA9868779.

ClinVar aggregate classification (germline): Uncertain significance. Review status: criteria provided, multiple submitters, no conflicts (2 of 4 stars). 4 submissions from 4 submitters: Uncertain significance (4). Last evaluated 2025-08-18.

Conditions:
Cardiovascular phenotype. Identifiers: MedGen CN230736.
Hypertrophic cardiomyopathy. Also called: HYPERTROPHIC MYOCARDIOPATHY. Identifiers: Orphanet 217569, MedGen C0007194, MeSH D002312, MONDO:0005045, HP:0001639.

Allele frequency attached by ClinVar (database versions not stated): gnomAD exomes below 0.00001 and 0.00001; gnomAD 0.00001; TOPMed 0.00001; ExAC 0.00002.
gnomAD v4.1: 6 of 1,613,176 alleles (0.00037%); highest among the groups gnomAD compares: Admixed American, 0.0017%; no homozygotes.

Submissions (4):

Labcorp Genetics (formerly Invitae), Labcorp
Classification: Uncertain significance for Hypertrophic cardiomyopathy. Last evaluated: 2025-08-18. Review status: criteria provided, single submitter. Criteria: Invitae Variant Classification Sherloc (09022015). Collection method: clinical testing. Allele origin: germline.
Comment: This sequence change replaces arginine, which is basic and polar, with histidine, which is basic and polar, at codon 323 of the JPH2 protein (p.Arg323His). This variant is present in population databases (rs778739555, gnomAD 0.003%). This variant has not been reported in the literature in individuals affected with JPH2-related conditions. ClinVar contains an entry for this variant (Variation ID: 451471). An algorithm developed to predict the effect of missense changes on protein structure and function (PolyPhen-2) suggests that this variant is likely to be disruptive. In summary, the available evidence is currently insufficient to determine the role of this variant in disease. Therefore, it has been classified as a Variant of Uncertain Significance.

Women's Health and Genetics/Laboratory Corporation of America, LabCorp
Classification: Uncertain significance. Last evaluated: 2025-04-22. Review status: criteria provided, single submitter. Criteria: LabCorp Variant Classification Summary - May 2015. Collection method: clinical testing. Allele origin: germline.
Comment: Variant summary: JPH2 c.968G>A (p.Arg323His) results in a non-conservative amino acid change in the encoded protein sequence. Four of five in-silico tools predict a damaging effect of the variant on protein function. The variant allele was found at a frequency of 1.2e-05 in 248710 control chromosomes. The available data on variant occurrences in the general population are insufficient to allow any conclusion about variant significance. To our knowledge, no occurrence of c.968G>A in individuals affected with Cardiomyopathy and no experimental evidence demonstrating its impact on protein function have been reported. ClinVar contains an entry for this variant (Variation ID: 451471). Based on the evidence outlined above, the variant was classified as uncertain significance.

GeneDx
Classification: Uncertain significance. Last evaluated: 2024-07-24. Review status: criteria provided, single submitter. Criteria: GeneDx Variant Classification Process June 2021. Collection method: clinical testing. Allele origin: germline. Affected: yes.
Comment: Not observed at significant frequency in large population cohorts (gnomAD); In silico analysis supports that this missense variant has a deleterious effect on protein structure/function; Has not been previously published as pathogenic or benign to our knowledge; This variant is associated with the following publications: (PMID: 35238659)

Ambry Genetics
Classification: Uncertain significance for Cardiovascular phenotype. Last evaluated: 2023-02-09. Review status: criteria provided, single submitter. Criteria: Ambry Variant Classification Scheme 2023. Collection method: clinical testing. Allele origin: germline.
Comment: The p.R323H variant (also known as c.968G>A), located in coding exon 2 of the JPH2 gene, results from a G to A substitution at nucleotide position 968. The arginine at codon 323 is replaced by histidine, an amino acid with highly similar properties. This amino acid position is highly conserved in available vertebrate species. In addition, the in silico prediction for this alteration is inconclusive. Since supporting evidence is limited at this time, the clinical significance of this alteration remains unclear.